The following is an entry in ClinVar:

ClinVar aggregate classification (germline): Uncertain significance (1 of 4 stars; one submission).

Submission:

Laboratorio de Genetica e Diagnostico Molecular, Hospital Israelita Albert Einstein
Classification: Uncertain significance. Last evaluated: 2019-05-16. Review status: criteria provided, single submitter. Criteria: ACMG Guidelines, 2015. Collection method: clinical testing. Allele origin: germline. Affected: yes.
Comment: ACMG classification criteria: PM2

NM_001372044.2(SHANK3):c.3233A>C (p.Asp1078Ala)

Gene: SHANK3 (SH3 and multiple ankyrin repeat domains 3; plus strand). Cytogenetic location: 22q13.33.
Variant type: single nucleotide variant.
Coding change: c.3233A>C on transcript NM_001372044.2 (MANE Select); coding-DNA position 3233, A replaced by C.
Protein change: p.Asp1078Ala; replaces aspartic acid 1078 with alanine.
Molecular consequence: missense variant.
Genome position (GRCh38, 1-based): chr22:50,720,841, A>C. VCF-style: chr22-50720841-A-C. GRCh37 (hg19) VCF-style: chr22-51159269-A-C.
Other names: c.3008A>C (NM_033517.1); short protein forms D1078A.
Identifiers: ClinVar variation 1690865 (VCV001690865.2), dbSNP rs2146830229, ClinGen allele CA515260445.